The following is an entry in ClinVar:

NM_001291303.3(FAT4):c.4688T>C (p.Ile1563Thr)

Gene: FAT4 (FAT atypical cadherin 4; plus strand). Cytogenetic location: 4q28.1.
Variant type: single nucleotide variant.
Coding change: c.4688T>C on transcript NM_001291303.3 (MANE Select); coding-DNA position 4688, T replaced by C.
Protein change: p.Ile1563Thr; replaces isoleucine 1563 with threonine.
Molecular consequence: missense variant.
Genome position (GRCh38, 1-based): chr4:125,321,099, T>C. VCF-style: chr4-125321099-T-C. GRCh37 (hg19) VCF-style: chr4-126242254-T-C.
Other names: c.4688T>C, p.Ile1563Thr (NM_001291285.3, NM_024582.6); short protein forms I1563T.
Identifiers: ClinVar variation 3716192 (VCV003716192.1).

ClinVar aggregate classification (germline): Uncertain significance (1 of 4 stars; one submission).

gnomAD v4.1: 31 of 1,613,880 alleles (0.0019%); highest among the groups gnomAD compares: South Asian, 0.03%; no homozygotes.

Submission:

Labcorp Genetics (formerly Invitae), Labcorp
Classification: Uncertain significance. Last evaluated: 2024-10-30. Review status: criteria provided, single submitter. Criteria: Invitae Variant Classification Sherloc (09022015). Collection method: clinical testing. Allele origin: germline.
Comment: This sequence change replaces isoleucine, which is neutral and non-polar, with threonine, which is neutral and polar, at codon 1563 of the FAT4 protein (p.Ile1563Thr). This variant is present in population databases (rs774970633, gnomAD 0.04%). This variant has not been reported in the literature in individuals affected with FAT4-related conditions. Invitae Evidence Modeling of protein sequence and biophysical properties (such as structural, functional, and spatial information, amino acid conservation, physicochemical variation, residue mobility, and thermodynamic stability) has been performed for this missense variant. However, the output from this modeling did not meet the statistical confidence thresholds required to predict the impact of this variant on FAT4 protein function. In summary, the available evidence is currently insufficient to determine the role of this variant in disease. Therefore, it has been classified as a Variant of Uncertain Significance.